The following is an entry in ClinVar:

NM_004304.5(ALK):c.1414C>G (p.Arg472Gly)

Gene: ALK (ALK receptor tyrosine kinase; minus strand). Cytogenetic location: 2p23.2.
Variant type: single nucleotide variant.
Coding change: c.1414C>G on transcript NM_004304.5 (MANE Select); coding-DNA position 1414, C replaced by G.
Protein change: p.Arg472Gly; replaces arginine 472 with glycine.
Molecular consequence: missense variant.
Genome position (GRCh38, 1-based): chr2:29,328,350, G>C on the plus strand (C>G on the coding strand, the complement: ALK is on the minus strand). VCF-style: chr2-29328350-G-C. GRCh37 (hg19) VCF-style: chr2-29551216-G-C.
Other names: short protein forms R472G.
Identifiers: ClinVar variation 970544 (VCV000970544.13), dbSNP rs749263944, ClinGen allele CA346474077.

ClinVar aggregate classification (germline): Conflicting classifications of pathogenicity. Review status: criteria provided, conflicting classifications (1 of 4 stars). 3 submissions from 3 submitters: Uncertain significance (2); Likely benign (1). Last evaluated 2026-02-03.

Conditions:
Hereditary cancer-predisposing syndrome. Also called: Tumor predisposition; Hereditary neoplastic syndrome; Hereditary Cancer Syndrome; Neoplastic Syndromes, Hereditary. Identifiers: Orphanet 140162, MedGen C0027672, MeSH D009386, MONDO:0015356.
Neuroblastoma, susceptibility to, 3. Also called: ALK-Related Neuroblastic Tumor Susceptibility. Identifiers: Orphanet 635, MedGen C2751681, MONDO:0013083, OMIM 613014.

Allele frequency attached by ClinVar (database versions not stated): TOPMed 0.00002; gnomAD 0.00005 and 0.00006.
gnomAD v4.1: 12 of 1,613,988 alleles (0.00074%); highest among the groups gnomAD compares: Admixed American, 0.02%; no homozygotes.

Submissions (3):

Ambry Genetics
Classification: Likely benign for Hereditary cancer-predisposing syndrome. Last evaluated: 2026-02-03. Review status: criteria provided, single submitter. Criteria: Ambry Variant Classification Scheme 2023. Collection method: clinical testing. Allele origin: germline.

Labcorp Genetics (formerly Invitae), Labcorp
Classification: Uncertain significance for Neuroblastoma, susceptibility to, 3. Last evaluated: 2025-03-14. Review status: criteria provided, single submitter. Criteria: Invitae Variant Classification Sherloc (09022015). Collection method: clinical testing. Allele origin: germline.
Comment: This sequence change replaces arginine, which is basic and polar, with glycine, which is neutral and non-polar, at codon 472 of the ALK protein (p.Arg472Gly). This variant is present in population databases (no rsID available, gnomAD 0.01%). This variant has not been reported in the literature in individuals affected with ALK-related conditions. ClinVar contains an entry for this variant (Variation ID: 970544). An algorithm developed to predict the effect of missense changes on protein structure and function (PolyPhen-2) suggests that this variant is likely to be tolerated. In summary, the available evidence is currently insufficient to determine the role of this variant in disease. Therefore, it has been classified as a Variant of Uncertain Significance.

Baylor Genetics
Classification: Uncertain significance for Neuroblastoma, susceptibility to, 3. Last evaluated: 2024-03-13. Review status: criteria provided, single submitter. Criteria: ACMG Guidelines, 2015. Collection method: clinical testing. Allele origin: unknown.